The following is an entry in ClinVar:

ClinVar aggregate classification (germline): Uncertain significance. Review status: criteria provided, multiple submitters, no conflicts (2 of 4 stars). 3 submissions from 3 submitters: Uncertain significance (3). Last evaluated 2025-12-13.

Conditions:
Hereditary cancer-predisposing syndrome. Also called: Neoplastic Syndromes, Hereditary; Tumor predisposition; Hereditary Cancer Syndrome; Hereditary neoplastic syndrome. Identifiers: Orphanet 140162, MedGen C0027672, MeSH D009386, MONDO:0015356.
BAP1-related tumor predisposition syndrome (TPDS1). Also called: Tumor susceptibility linked to germline BAP1 mutations; COMMON Syndrome; TUMOR PREDISPOSITION SYNDROME 1; BAP1 tumor predisposition syndrome. Identifiers: Orphanet 289539, MedGen C3280492, MONDO:0013692, OMIM 614327.

Allele frequency attached by ClinVar (database versions not stated): gnomAD exomes below 0.00001.
gnomAD v4.1: 1 of 1,614,198 alleles (0.000062%); highest among the groups gnomAD compares: Non-Finnish European, 0.000085%; no homozygotes.

Submissions (3):

Labcorp Genetics (formerly Invitae), Labcorp
Classification: Uncertain significance for BAP1-related tumor predisposition syndrome. Last evaluated: 2025-12-13. Review status: criteria provided, single submitter. Criteria: Invitae Variant Classification Sherloc (09022015). Collection method: clinical testing. Allele origin: germline.
Comment: This sequence change replaces alanine, which is neutral and non-polar, with threonine, which is neutral and polar, at codon 243 of the BAP1 protein (p.Ala243Thr). This variant is not present in population databases (gnomAD no frequency). This variant has not been reported in the literature in individuals affected with BAP1-related conditions. ClinVar contains an entry for this variant (Variation ID: 918658). Invitae Evidence Modeling of protein sequence and biophysical properties (such as structural, functional, and spatial information, amino acid conservation, physicochemical variation, residue mobility, and thermodynamic stability) indicates that this missense variant is not expected to disrupt BAP1 protein function with a negative predictive value of 80%. In summary, the available evidence is currently insufficient to determine the role of this variant in disease. Therefore, it has been classified as a Variant of Uncertain Significance.

Ambry Genetics
Classification: Uncertain significance for Hereditary cancer-predisposing syndrome. Last evaluated: 2024-01-11. Review status: criteria provided, single submitter. Criteria: Ambry Variant Classification Scheme 2023. Collection method: clinical testing. Allele origin: germline.
Comment: The p.A243T variant (also known as c.727G>A), located in coding exon 9 of the BAP1 gene, results from a G to A substitution at nucleotide position 727. The alanine at codon 243 is replaced by threonine, an amino acid with similar properties. This amino acid position is conserved. In addition, this alteration is predicted to be tolerated by in silico analysis. Since supporting evidence is limited at this time, the clinical significance of this alteration remains unclear.

Color Diagnostics, LLC DBA Color Health
Classification: Uncertain significance for Hereditary cancer-predisposing syndrome. Last evaluated: 2019-06-26. Review status: criteria provided, single submitter. Criteria: ACMG Guidelines, 2015. Collection method: clinical testing. Allele origin: germline.

NM_004656.4(BAP1):c.727G>A (p.Ala243Thr)

Gene: BAP1 (BRCA1 associated deubiquitinase 1; minus strand). Cytogenetic location: 3p21.1.
Variant type: single nucleotide variant.
Coding change: c.727G>A on transcript NM_004656.4 (MANE Select); coding-DNA position 727, G replaced by A.
Protein change: p.Ala243Thr; replaces alanine 243 with threonine.
Molecular consequence: missense variant.
Genome position (GRCh38, 1-based): chr3:52,406,309, C>T on the plus strand (G>A on the coding strand, the complement: BAP1 is on the minus strand). VCF-style: chr3-52406309-C-T. GRCh37 (hg19) VCF-style: chr3-52440325-C-T.
Other names: c.727G>A (NM_004656.2); short protein forms A243T.
Identifiers: ClinVar variation 918658 (VCV000918658.11), dbSNP rs1705156378, ClinGen allele CA353107241.